The following is an entry in ClinVar:

ClinVar aggregate classification (germline): Uncertain significance (1 of 4 stars; one submission).

Submission:

GeneDx
Classification: Uncertain significance. Last evaluated: 2024-03-13. Review status: criteria provided, single submitter. Criteria: GeneDx Variant Classification Process June 2021. Collection method: clinical testing. Allele origin: germline. Affected: yes.
Comment: Not observed at significant frequency in large population cohorts (gnomAD); In silico analysis supports that this missense variant does not alter protein structure/function; Has not been previously published as pathogenic or benign to our knowledge

NM_001282531.3(ADNP):c.402C>G (p.Ser134Arg)

Gene: ADNP (activity dependent neuroprotector homeobox; minus strand). Cytogenetic location: 20q13.13.
Variant type: single nucleotide variant.
Coding change: c.402C>G on transcript NM_001282531.3 (MANE Select); coding-DNA position 402, C replaced by G.
Protein change: p.Ser134Arg; replaces serine 134 with arginine.
Molecular consequence: missense variant.
Genome position (GRCh38, 1-based): chr20:50,894,312, G>C on the plus strand (C>G on the coding strand, the complement: ADNP is on the minus strand). VCF-style: chr20-50894312-G-C. GRCh37 (hg19) VCF-style: chr20-49510849-G-C.
Other names: c.402C>G, p.Ser134Arg (NM_001282532.2, NM_001347511.2, NM_015339.5 and 1 more transcripts); short protein forms S134R.
Identifiers: ClinVar variation 3370683 (VCV003370683.1).
Genomic context (GRCh38, chr20:50,894,312, plus strand): 5'-AGGTTTAAGGCCATCATTTTTGTTTTTATCTTTGAAAGTGCTGAGGCTGCTACTTGGTGC[G>C]CTGGCGTTCGGAGCATGAAATATTTTAATGTGTGTTTCCAAAGTCTTTTTGTCTGCATTG-3'
Protein context (NP_001269460.1, residues 124-144): HIKIFHAPNA[Ser134Arg]APSSSLSTFK